The following is an entry in ClinVar:

ClinVar aggregate classification (germline): Uncertain significance. Review status: criteria provided, multiple submitters, no conflicts (2 of 4 stars). 3 submissions from 3 submitters: Uncertain significance (3). Last evaluated 2025-06-05.

Conditions:
Autosomal recessive limb-girdle muscular dystrophy type 2W (MDRCMTT). Also called: Muscular dystrophy, limb-girdle, type 2W; Muscular dystrophy, autosomal recessive, with cardiomyopathy and triangular tongue. Identifiers: MedGen C4225192, MONDO:0014788, OMIM 616827.

Allele frequency attached by ClinVar (database versions not stated): gnomAD exomes 0.00002; gnomAD 0.00003; TOPMed 0.00003.
gnomAD v4.1: 28 of 1,613,900 alleles (0.0017%); highest among the groups gnomAD compares: African/African-American, 0.012%; no homozygotes.

Submissions (3):

Women's Health and Genetics/Laboratory Corporation of America, LabCorp
Classification: Uncertain significance. Last evaluated: 2025-06-05. Review status: criteria provided, single submitter. Criteria: LabCorp Variant Classification Summary - May 2015. Collection method: clinical testing. Allele origin: germline.
Comment: Variant summary: LIMS2 c.247C>T (p.Arg83Trp) results in a non-conservative amino acid change in the encoded protein sequence. Algorithms developed to predict the effect of missense changes on protein structure and function all suggest that this variant is likely to be disruptive. The variant allele was found at a frequency of 2e-05 in 250522 control chromosomes. The available data on variant occurrences in the general population are insufficient to allow any conclusion about variant significance. To our knowledge, no occurrence of c.247C>T in individuals affected with Autosomal Recessive Limb-Girdle Muscular Dystrophy Type 2W and no experimental evidence demonstrating its impact on protein function have been reported. ClinVar contains an entry for this variant (Variation ID: 1058817). Based on the evidence outlined above, the variant was classified as uncertain significance.

Labcorp Genetics (formerly Invitae), Labcorp
Classification: Uncertain significance for Autosomal recessive limb-girdle muscular dystrophy type 2W. Last evaluated: 2023-12-02. Review status: criteria provided, single submitter. Criteria: Invitae Variant Classification Sherloc (09022015). Collection method: clinical testing. Allele origin: germline.
Comment: This sequence change replaces arginine, which is basic and polar, with tryptophan, which is neutral and slightly polar, at codon 83 of the LIMS2 protein (p.Arg83Trp). This variant is present in population databases (no rsID available, gnomAD 0.007%). This variant has not been reported in the literature in individuals affected with LIMS2-related conditions. ClinVar contains an entry for this variant (Variation ID: 1058817). An algorithm developed to predict the effect of missense changes on protein structure and function (PolyPhen-2) suggests that this variant is likely to be disruptive. In summary, the available evidence is currently insufficient to determine the role of this variant in disease. Therefore, it has been classified as a Variant of Uncertain Significance.

Ambry Genetics
Classification: Uncertain significance. Last evaluated: 2022-12-19. Review status: criteria provided, single submitter. Criteria: Ambry Variant Classification Scheme 2023. Collection method: clinical testing. Allele origin: germline.

NM_001161403.3(LIMS2):c.181C>T (p.Arg61Trp)

Gene: LIMS2 (LIM zinc finger domain containing 2; minus strand). Cytogenetic location: 2q14.3.
Variant type: single nucleotide variant.
Coding change: c.181C>T on transcript NM_001161403.3 (MANE Select); coding-DNA position 181, C replaced by T.
Protein change: p.Arg61Trp; replaces arginine 61 with tryptophan.
Molecular consequence: missense variant.
Genome position (GRCh38, 1-based): chr2:127,654,887, G>A on the plus strand (C>T on the coding strand, the complement: LIMS2 is on the minus strand). VCF-style: chr2-127654887-G-A. GRCh37 (hg19) VCF-style: chr2-128412461-G-A.
Other names: c.247C>T, p.Arg83Trp (NM_001136037.4); c.166C>T, p.Arg56Trp (NM_001161404.2); c.253C>T, p.Arg85Trp (NM_017980.5); c.253C>T (NM_017980.4); short protein forms R56W, R61W, R83W, R85W.
Identifiers: ClinVar variation 1058817 (VCV001058817.11), dbSNP rs975509585, ClinGen allele CA55436805.